The following is an entry in ClinVar:

ClinVar aggregate classification (germline): Likely benign (1 of 4 stars; one submission).

gnomAD v4.1: 25 of 1,611,632 alleles (0.0016%); highest among the groups gnomAD compares: Non-Finnish European, 0.0021%; no homozygotes.

Submission:

CeGaT Center for Human Genetics Tuebingen
Classification: Likely benign. Last evaluated: 2025-08-01. Review status: criteria provided, single submitter. Criteria: CeGaT Center For Human Genetics Tuebingen Variant Classification Criteria Version 2. Collection method: clinical testing. Allele origin: germline. Affected: yes. Observed: 1 variant allele.
Comment: AFF3: BP4, BP7

NM_001386135.1(AFF3):c.1869G>A (p.Glu623=)

Gene: AFF3 (ALF transcription elongation factor 3; minus strand). Cytogenetic location: 2q11.2.
Variant type: single nucleotide variant.
Coding change: c.1869G>A on transcript NM_001386135.1 (MANE Select); coding-DNA position 1869, G replaced by A.
Protein change: p.Glu623=; no amino-acid change (glutamic acid 623 retained).
Molecular consequence: synonymous variant.
Genome position (GRCh38, 1-based): chr2:99,593,792, C>T on the plus strand (G>A on the coding strand, the complement: AFF3 is on the minus strand). VCF-style: chr2-99593792-C-T. GRCh37 (hg19) VCF-style: chr2-100210254-C-T.
Other names: c.1944G>A, p.Glu648= (NM_001025108.2); c.1869G>A, p.Glu623= (NM_002285.3).
Identifiers: ClinVar variation 4084668 (VCV004084668.8).
Genomic context (GRCh38, chr2:99,593,792, plus strand): 5'-GGAGCGCAGCTCCTTGCGGTGGCTCGCTCTGTTGTTGCCACAGGGCCTGGTTTTGGTGGG[C>T]TCCGGGGGGACCACCACGCTCGTCCCCAGCGCGTCCGCGGCCGCGGGCTCCTCGGGCCGG-3'
Protein context (NP_001373064.1, residues 613-633): ALGTSVVVPP[Glu623=]PTKTRPCGNN